The following is an entry in ClinVar:

NM_001098426.2(SMARCD2):c.71C>T (p.Ala24Val)

Genes: SMARCD2 (SWI/SNF related BAF chromatin remodeling complex subunit D2; minus strand), LOC130061409 (ATAC-STARR-seq lymphoblastoid silent region 8832; plus strand). Cytogenetic location: 17q23.3.
Variant type: single nucleotide variant.
Coding change: c.71C>T on transcript NM_001098426.2 (MANE Select); coding-DNA position 71, C replaced by T.
Protein change: p.Ala24Val; replaces alanine 24 with valine.
Molecular consequence: missense variant.
Genome position (GRCh38, 1-based): chr17:63,842,604, G>A on the plus strand (C>T on the coding strand, the complement: SMARCD2 is on the minus strand). VCF-style: chr17-63842604-G-A. GRCh37 (hg19) VCF-style: chr17-61919964-G-A.
Other names: p.Ala24Val; c.71C>T (NM_001098426.1); short protein forms A24V.
Identifiers: ClinVar variation 1170752 (VCV001170752.15), dbSNP rs547749828, ClinGen allele CA8706565.

ClinVar aggregate classification (germline): Benign/Likely benign. Review status: criteria provided, multiple submitters, no conflicts (2 of 4 stars). 6 submissions from 6 submitters: Benign (3); Likely benign (2). 1 of the submissions does not count toward it. Last evaluated 2026-02-01.

Conditions:
SMARCD2-related disorder. Also called: SMARCD2-related condition.

Allele frequency attached by ClinVar (database versions not stated): gnomAD exomes 0.00088; gnomAD 0.00768 and 0.00836; 1000 Genomes Project 0.00819; 1000 Genomes Project 30x 0.00843; TOPMed 0.00892.
gnomAD v4.1: 2,173 of 1,222,912 alleles (0.18%); highest among the groups gnomAD compares: African/African-American, 2.7%; 26 homozygotes.

Submissions (6):

Labcorp Genetics (formerly Invitae), Labcorp
Classification: Benign. Last evaluated: 2026-02-01. Review status: criteria provided, single submitter. Criteria: Invitae Variant Classification Sherloc (09022015). Collection method: clinical testing. Allele origin: germline.

Women's Health and Genetics/Laboratory Corporation of America, LabCorp
Classification: Likely benign. Last evaluated: 2026-01-30. Review status: criteria provided, single submitter. Criteria: LabCorp Variant Classification Summary - May 2015. Collection method: clinical testing. Allele origin: germline.
Comment: Variant summary: SMARCD2 c.71C>T (p.Ala24Val) results in a non-conservative amino acid change in the encoded protein sequence. Algorithms developed to predict the effect of missense changes on protein structure and function are either unavailable or do not agree on the potential impact of this missense change. The variant allele was found at a frequency of 0.0018 in 1222912 control chromosomes, predominantly at a frequency of 0.027 within the African or African-American subpopulation in the gnomAD database, including 21 homozygotes. The observed variant frequency within African or African-American control individuals in the gnomAD database exceeds the estimated maximal expected allele frequency for disease-causing variants in SMARCD2. To our knowledge, no occurrence of c.71C>T in individuals affected with SMARCD2-related conditions and no experimental evidence demonstrating its impact on protein function have been reported. ClinVar contains an entry for this variant (Variation ID: 1170752). Based on the evidence outlined above, the variant was classified as likely benign.

Blueprint Genetics
Classification: Likely benign. Last evaluated: 2024-11-27. Review status: criteria provided, single submitter. Criteria: ACMG Guidelines, 2015. Collection method: clinical testing. Allele origin: germline.

Mayo Clinic Laboratories, Mayo Clinic
Classification: Benign. Last evaluated: 2023-07-07. Review status: criteria provided, single submitter. Criteria: ACMG Guidelines, 2015. Collection method: clinical testing. Allele origin: germline. Observed: 10 variant alleles.
Comment: BS1, BS2, BP4

Breakthrough Genomics
Classification: Benign. Review status: criteria provided, single submitter. Criteria: ACMG Guidelines, 2015. Collection method: not provided. Allele origin: germline. Inheritance: Autosomal recessive inheritance. Affected: yes.

PreventionGenetics, part of Exact Sciences
Classification: Benign for SMARCD2-related condition. Last evaluated: 2022-01-31. Review status: no assertion criteria provided. Collection method: clinical testing. Allele origin: germline. Not counted in ClinVar's aggregate classification.
Comment: This variant is classified as benign based on ACMG/AMP sequence variant interpretation guidelines (Richards et al. 2015 PMID: 25741868, with internal and published modifications).